The following is an entry in ClinVar:

NM_203486.3(DLL3):c.1187C>T (p.Ala396Val)

Gene: DLL3 (delta like canonical Notch ligand 3; plus strand). Cytogenetic location: 19q13.2.
Variant type: single nucleotide variant.
Coding change: c.1187C>T on transcript NM_203486.3 (MANE Select); coding-DNA position 1187, C replaced by T.
Protein change: p.Ala396Val; replaces alanine 396 with valine.
Molecular consequence: missense variant.
Genome position (GRCh38, 1-based): chr19:39,507,132, C>T. VCF-style: chr19-39507132-C-T. GRCh37 (hg19) VCF-style: chr19-39997772-C-T.
Other names: c.1187C>T, p.Ala396Val (NM_016941.4); short protein forms A396V.
Identifiers: ClinVar variation 811836 (VCV000811836.8), dbSNP rs747708804, ClinGen allele CA9432393.

ClinVar aggregate classification (germline): Uncertain significance (1 of 4 stars; one submission).

Conditions:
Spondylocostal dysostosis 1, autosomal recessive (SCDO1). Also called: DLL3-Related Spondylocostal Dysostosis, Autosomal Recessive. Identifiers: Orphanet 2311, MedGen CN032975, MONDO:0020692, OMIM 277300.

Allele frequency attached by ClinVar (database versions not stated): ExAC below 0.00001; gnomAD exomes 0.00001 and 0.00008; gnomAD 0.00002; TOPMed 0.00002.
gnomAD v4.1: 22 of 1,518,196 alleles (0.0014%); highest among the groups gnomAD compares: Admixed American, 0.022%; no homozygotes.

Submission:

ARUP Laboratories, Molecular Genetics and Genomics, ARUP Laboratories
Classification: Uncertain significance for Spondylocostal dysostosis 1, autosomal recessive. Last evaluated: 2018-12-12. Review status: criteria provided, single submitter. Criteria: ARUP Molecular Germline Variant Investigation Process. Collection method: clinical testing. Allele origin: germline.
Comment: The DLL3 c.1187C>T; p.Ala396Val variant (rs747708804), to our knowledge, is not reported in the medical literature or gene specific databases. This variant is found in the Latino population with an allele frequency of 0.036% (8/22,304 alleles) in the Genome Aggregation Database. The alanine at codon 396 is highly conserved, but computational analyses (SIFT, PolyPhen-2) predict that this variant is tolerated. Due to limited information, the clinical significance of the p.Ala396Val variant is uncertain at this time.